The following is an entry in ClinVar:

ClinVar aggregate classification (germline): Uncertain significance. Review status: criteria provided, multiple submitters, no conflicts (2 of 4 stars). 2 submissions from 2 submitters: Uncertain significance (2). Last evaluated 2022-07-01.

Allele frequency attached by ClinVar (database versions not stated): gnomAD exomes below 0.00001.

Submissions (2):

CeGaT Center for Human Genetics Tuebingen
Classification: Uncertain significance. Last evaluated: 2022-07-01. Review status: criteria provided, single submitter. Criteria: CeGaT Center For Human Genetics Tuebingen Variant Classification Criteria Version 2. Collection method: clinical testing. Allele origin: germline. Affected: yes. Observed: 1 variant allele.
Comment: SCN4A: PM2, PP3

Athena Diagnostics
Classification: Uncertain significance. Last evaluated: 2021-06-11. Review status: criteria provided, single submitter. Criteria: Athena Diagnostics Criteria. Collection method: clinical testing. Allele origin: unknown.

Literature cited by the submitters: PubMed 29953624 (cited by Athena Diagnostics).

NM_000334.4(SCN4A):c.296G>T (p.Gly99Val)

Gene: SCN4A (sodium voltage-gated channel alpha subunit 4; minus strand). Cytogenetic location: 17q23.3.
Variant type: single nucleotide variant.
Coding change: c.296G>T on transcript NM_000334.4 (MANE Select); coding-DNA position 296, G replaced by T.
Protein change: p.Gly99Val; replaces glycine 99 with valine.
Molecular consequence: missense variant.
Genome position (GRCh38, 1-based): chr17:63,972,448, C>A on the plus strand (G>T on the coding strand, the complement: SCN4A is on the minus strand). VCF-style: chr17-63972448-C-A. GRCh37 (hg19) VCF-style: chr17-62049808-C-A.
Other names: short protein forms G99V.
Identifiers: ClinVar variation 1701327 (VCV001701327.32), dbSNP rs2143026945, ClinGen allele CA400640044.
Genomic context (GRCh38, chr17:63,972,448, plus strand): 5'-ACGCTGAAGGGGCTCAGCAGGTAGAGAGCAGGTGTGGCGGAGAAGCGGAAGATGGCCTTG[C>A]CCTTGTTGAGTACGATGAAGGTCTAAGGTGGGAGAGAGGCTGTGAGACCCAGGGACAGAC-3'
Protein context (NP_000325.4, residues 89-109): NKKTFIVLNK[Gly99Val]KAIFRFSATP